The following is an entry in ClinVar:

ClinVar aggregate classification (germline): Conflicting classifications of pathogenicity. Review status: criteria provided, conflicting classifications (1 of 4 stars). 4 submissions from 4 submitters: Uncertain significance (3); Likely benign (1). Last evaluated 2025-12-02.

Conditions:
DDX41-related hematologic malignancy predisposition syndrome. Also called: DDX41-Associated Familial Myelodysplastic Syndrome and Acute Myeloid Leukemia; Myeloproliferative/lymphoproliferative neoplasms, familial (multiple types), susceptibility to. Identifiers: Orphanet 488647, MedGen C4225174, MONDO:0014809, OMIM 616871.
Inborn genetic diseases. Identifiers: MedGen C0950123, MeSH D030342.

Allele frequency attached by ClinVar (database versions not stated): gnomAD 0.00001; ExAC 0.00002; gnomAD exomes 0.00002.
gnomAD v4.1: 35 of 1,612,910 alleles (0.0022%); highest among the groups gnomAD compares: Middle Eastern, 0.016%; no homozygotes.

Submissions (4):

Labcorp Genetics (formerly Invitae), Labcorp
Classification: Uncertain significance. Last evaluated: 2025-12-02. Review status: criteria provided, single submitter. Criteria: Invitae Variant Classification Sherloc (09022015). Collection method: clinical testing. Allele origin: germline.
Comment: This sequence change falls in intron 11 of the DDX41 gene. It does not directly change the encoded amino acid sequence of the DDX41 protein. This variant is present in population databases (rs761710936, gnomAD 0.002%). This variant has not been reported in the literature in individuals affected with DDX41-related conditions. ClinVar contains an entry for this variant (Variation ID: 1723764). Algorithms developed to predict the effect of sequence changes on RNA splicing suggest that this variant may create or strengthen a splice site. In summary, the available evidence is currently insufficient to determine the role of this variant in disease. Therefore, it has been classified as a Variant of Uncertain Significance.

Ambry Genetics
Classification: Likely benign for Inborn genetic diseases. Last evaluated: 2025-03-24. Review status: criteria provided, single submitter. Criteria: Ambry Variant Classification Scheme 2023. Collection method: clinical testing. Allele origin: germline.

Baylor Genetics
Classification: Uncertain significance for DDX41-related hematologic malignancy predisposition syndrome. Last evaluated: 2024-01-12. Review status: criteria provided, single submitter. Criteria: ACMG Guidelines, 2015. Collection method: clinical testing. Allele origin: unknown.

GeneDx
Classification: Uncertain significance. Last evaluated: 2023-09-27. Review status: criteria provided, single submitter. Criteria: GeneDx Variant Classification Process June 2021. Collection method: clinical testing. Allele origin: germline. Affected: yes.
Comment: Not observed at significant frequency in large population cohorts (gnomAD); In silico analysis supports a deleterious effect on splicing; Has not been previously published as pathogenic or benign to our knowledge

NM_016222.4(DDX41):c.1231-5G>A

Gene: DDX41 (DEAD-box helicase 41; minus strand). Cytogenetic location: 5q35.3.
Variant type: single nucleotide variant.
Coding change: c.1231-5G>A on transcript NM_016222.4 (MANE Select); 5 bases into the intron before coding-DNA position 1231, G replaced by A.
Molecular consequence: intron variant.
Genome position (GRCh38, 1-based): chr5:177,513,087, C>T on the plus strand (G>A on the coding strand, the complement: DDX41 is on the minus strand). VCF-style: chr5-177513087-C-T. GRCh37 (hg19) VCF-style: chr5-176940088-C-T.
Other names: c.1231-5G>A (NM_016222.2); c.853-5G>A (NM_001321830.2, NM_001321732.2).
Identifiers: ClinVar variation 1723764 (VCV001723764.10), dbSNP rs761710936, ClinGen allele CA3584836.
Genomic context (GRCh38, chr5:177,513,087, plus strand): 5'-TGCAGGCACTCGAGCAGGTACACCATCTTGGCCTCCTCCTTCACATATTCTACCTCCTGC[C>T]ACCACAAAGATCAGGTCAGGTGATCTTGAGATTAGGCTTACCCGCCACAGCCCTGCCATG-3'